The following is an entry in ClinVar:

NM_001323079.3(HSFX3):c.930C>T (p.Ile310=)

Genes: EOLA1 (endothelium and lymphocyte associated ASCH domain 1; plus strand), HSFX3 (heat shock transcription factor family, X-linked member 3; minus strand). Cytogenetic location: Xq28.
Variant type: single nucleotide variant.
Coding change: c.930C>T on transcript NM_001323079.3 (MANE Select); coding-DNA position 930, C replaced by T.
Protein change: p.Ile310=; no amino-acid change (isoleucine 310 retained).
Molecular consequence: synonymous variant. On other transcripts: intron variant (3).
Genome position (GRCh38, 1-based): chrX:149,548,464, G>A on the plus strand (C>T on the coding strand, the complement: HSFX3 is on the minus strand). VCF-style: chrX-149548464-G-A. GRCh37 (hg19) VCF-style: chrX-148630009-G-A.
Other names: c.433-952G>A (NM_001324276.2, NM_001324279.2, NM_001171909.4).
Identifiers: ClinVar variation 3251113 (VCV003251113.17), dbSNP rs1175140157.

ClinVar aggregate classification (germline): Likely benign (1 of 4 stars; one submission).

gnomAD v4.1: 1 of 931,106 alleles (0.00011%); highest among the groups gnomAD compares: Admixed American, 0.0059%; no homozygotes.

Submission:

CeGaT Center for Human Genetics Tuebingen
Classification: Likely benign. Last evaluated: 2024-06-01. Review status: criteria provided, single submitter. Criteria: CeGaT Center For Human Genetics Tuebingen Variant Classification Criteria Version 2. Collection method: clinical testing. Allele origin: germline. Affected: yes. Observed: 1 variant allele.
Comment: HSFX3: BP4, BP7